The following is an entry in ClinVar:

NM_001042681.2(RERE):c.1352G>A (p.Arg451His)

Gene: RERE (arginine-glutamic acid dipeptide repeats; minus strand). Cytogenetic location: 1p36.23.
Variant type: single nucleotide variant.
Coding change: c.1352G>A on transcript NM_001042681.2 (MANE Select); coding-DNA position 1352, G replaced by A.
Protein change: p.Arg451His; replaces arginine 451 with histidine.
Molecular consequence: missense variant. On other transcripts: 5 prime UTR variant (1).
Genome position (GRCh38, 1-based): chr1:8,365,907, C>T on the plus strand (G>A on the coding strand, the complement: RERE is on the minus strand). VCF-style: chr1-8365907-C-T. GRCh37 (hg19) VCF-style: chr1-8425967-C-T.
Other names: c.-311G>A (NM_001042682.2); c.1352G>A, p.Arg451His (NM_012102.4); short protein forms R451H.
Identifiers: ClinVar variation 3368748 (VCV003368748.1).

ClinVar aggregate classification (germline): Uncertain significance (1 of 4 stars; one submission).

Submission:

GeneDx
Classification: Uncertain significance. Last evaluated: 2024-02-07. Review status: criteria provided, single submitter. Criteria: GeneDx Variant Classification Process June 2021. Collection method: clinical testing. Allele origin: germline. Affected: yes.
Comment: Not observed at significant frequency in large population cohorts (gnomAD); In silico analysis supports that this missense variant has a deleterious effect on protein structure/function; Has not been previously published as pathogenic or benign to our knowledge